The following is an entry in ClinVar:

ClinVar aggregate classification (germline): Uncertain significance (1 of 4 stars; one submission).

Submission:

GeneDx
Classification: Uncertain significance. Last evaluated: 2024-07-31. Review status: criteria provided, single submitter. Criteria: GeneDx Variant Classification Process June 2021. Collection method: clinical testing. Allele origin: germline.
Comment: Not observed at significant frequency in large population cohorts (gnomAD); Has not been previously published as pathogenic or benign to our knowledge; Nonsense variant predicted to result in protein truncation as the last 992 amino acids are lost, in a gene for which loss of function is not an established mechanism of disease; This variant is associated with the following publications: (PMID: 28545555)

NM_017654.4(SAMD9):c.1792C>T (p.Gln598Ter)

Gene: SAMD9 (sterile alpha motif domain containing 9; minus strand). Cytogenetic location: 7q21.2.
Variant type: single nucleotide variant.
Coding change: c.1792C>T on transcript NM_017654.4 (MANE Select); coding-DNA position 1792, C replaced by T.
Protein change: p.Gln598Ter; replaces glutamine 598 with a stop codon.
Molecular consequence: nonsense.
Genome position (GRCh38, 1-based): chr7:93,104,306, G>A on the plus strand (C>T on the coding strand, the complement: SAMD9 is on the minus strand). VCF-style: chr7-93104306-G-A. GRCh37 (hg19) VCF-style: chr7-92733619-G-A.
Other names: c.1792C>T, p.Gln598Ter (NM_001193307.2); short protein forms Q598*.
Identifiers: ClinVar variation 2505033 (VCV002505033.2), dbSNP rs767325816, ClinGen allele CA161992399.
Genomic context (GRCh38, chr7:93,104,306, plus strand): 5'-TAGTGCCATTGATCTCTTCAAGGCTTAAAGCAGAAATACATTGGCTTGAAATTTCATCTT[G>A]GTGTTTTATTAATCTTGCTTCAAGTAGATCTTTCCATCCCTGAAATATGTGTGGGTGCAC-3'